The following is an entry in ClinVar:

NM_032217.5(ANKRD17):c.2363T>A (p.Leu788Ter)

Gene: ANKRD17 (ankyrin repeat domain 17; minus strand). Cytogenetic location: 4q13.3.
Variant type: single nucleotide variant.
Coding change: c.2363T>A on transcript NM_032217.5 (MANE Select); coding-DNA position 2363, T replaced by A.
Protein change: p.Leu788Ter; replaces leucine 788 with a stop codon.
Molecular consequence: nonsense. On other transcripts: intron variant (1).
Genome position (GRCh38, 1-based): chr4:73,140,253, A>T on the plus strand (T>A on the coding strand, the complement: ANKRD17 is on the minus strand). VCF-style: chr4-73140253-A-T. GRCh37 (hg19) VCF-style: chr4-74005970-A-T.
Other names: c.2024T>A, p.Leu675Ter (NM_001286771.3); c.2363T>A, p.Leu788Ter (NM_015574.2); c.2332+1488T>A (NM_198889.3); short protein forms L675*, L788*.
Identifiers: ClinVar variation 4537142 (VCV004537142.1).
Genomic context (GRCh38, chr4:73,140,253, plus strand): 5'-ACAATGCTCTCTGGAGACTGATTGGTGATGTAACCCTGTACATCCTGGCTGTTTGCTGGC[A>T]AATGGCTGCTGGACTTTTGTTTAGAAGCAGCTGTGTGAAAAAGAAACCCCCTCAGAAGTG-3'

ClinVar aggregate classification (germline): Pathogenic (1 of 4 stars; one submission).

Conditions:
Chopra-Amiel-Gordon syndrome (CAGS). Also called: ANKRD17-Related Neurodevelopmental Syndrome. Identifiers: MedGen C5561975, MONDO:0859186, OMIM 619504.

Submission:

Women's Health and Genetics/Laboratory Corporation of America, LabCorp
Classification: Pathogenic for Chopra-Amiel-Gordon syndrome. Last evaluated: 2025-11-03. Review status: criteria provided, single submitter. Criteria: LabCorp Variant Classification Summary - May 2015. Collection method: clinical testing. Allele origin: germline.
Comment: Variant summary: ANKRD17 c.2363T>A (p.Leu788X) results in a premature termination codon, predicted to cause a truncation of the encoded protein or absence of the protein due to nonsense mediated decay, which are commonly known mechanisms for disease. The variant was absent in 237696 control chromosomes (gnomAD). To our knowledge, no occurrence of c.2363T>A in individuals affected with ANKRD17-related conditions and no experimental evidence demonstrating its impact on protein function have been reported. No submitters have cited clinical-significance assessments for this variant to ClinVar. Based on the evidence outlined above, the variant was classified as pathogenic.